The following is an entry in ClinVar:

ClinVar aggregate classification (germline): Uncertain significance (1 of 4 stars; one submission).

Conditions:
EPILEPSY, CHILDHOOD ABSENCE, SUSCEPTIBILITY TO, 2 (ECA2). Identifiers: Orphanet 64280, MedGen C1843244, OMIM 607681.
Febrile seizures, familial, 8 (FEB8). Also called: CONVULSIONS, FAMILIAL FEBRILE, 8. Identifiers: Orphanet 36387, MedGen C1969810, MONDO:0011891, OMIM 607681.

Submission:

Labcorp Genetics (formerly Invitae), Labcorp
Classification: Uncertain significance for Febrile seizures, familial, 8; EPILEPSY, CHILDHOOD ABSENCE, SUSCEPTIBILITY TO, 2. Last evaluated: 2022-10-26. Review status: criteria provided, single submitter. Criteria: Invitae Variant Classification Sherloc (09022015). Collection method: clinical testing. Allele origin: germline.
Comment: This sequence change replaces aspartic acid, which is acidic and polar, with valine, which is neutral and non-polar, at codon 84 of the GABRG2 protein (p.Asp84Val). This variant is not present in population databases (gnomAD no frequency). This variant has not been reported in the literature in individuals affected with GABRG2-related conditions. Advanced modeling of protein sequence and biophysical properties (such as structural, functional, and spatial information, amino acid conservation, physicochemical variation, residue mobility, and thermodynamic stability) performed at Invitae indicates that this missense variant is expected to disrupt GABRG2 protein function. In summary, the available evidence is currently insufficient to determine the role of this variant in disease. Therefore, it has been classified as a Variant of Uncertain Significance.

NM_198904.4(GABRG2):c.251A>T (p.Asp84Val)

Gene: GABRG2 (gamma-aminobutyric acid type A receptor subunit gamma2; plus strand). Cytogenetic location: 5q34.
Variant type: single nucleotide variant.
Coding change: c.251A>T on transcript NM_198904.4 (MANE Select); coding-DNA position 251, A replaced by T.
Protein change: p.Asp84Val; replaces aspartic acid 84 with valine.
Molecular consequence: missense variant. On other transcripts: 5 prime UTR variant (3).
Genome position (GRCh38, 1-based): chr5:162,093,971, A>T. VCF-style: chr5-162093971-A-T. GRCh37 (hg19) VCF-style: chr5-161520977-A-T.
Other names: c.251A>T, p.Asp84Val (NM_000816.3, NM_001375340.1, NM_001375341.1 and 4 more transcripts); c.242A>T, p.Asp81Val (NM_001375339.1); c.185A>T, p.Asp62Val (NM_001375345.1, NM_001375346.1); c.164A>T, p.Asp55Val (NM_001375347.1); c.-108A>T (NM_001375348.1, NM_001375350.1); c.-35A>T (NM_001375349.1); short protein forms D81V, D84V, D55V, D62V.
Identifiers: ClinVar variation 2940204 (VCV002940204.3), dbSNP rs2532553672, ClinGen allele CA362183143.